The following is an entry in ClinVar:

NM_153603.4(COG7):c.972C>G (p.Phe324Leu)

Gene: COG7 (component of oligomeric golgi complex 7; minus strand). Cytogenetic location: 16p12.2.
Variant type: single nucleotide variant.
Coding change: c.972C>G on transcript NM_153603.4 (MANE Select); coding-DNA position 972, C replaced by G.
Protein change: p.Phe324Leu; replaces phenylalanine 324 with leucine.
Molecular consequence: missense variant.
Genome position (GRCh38, 1-based): chr16:23,424,786, G>C on the plus strand (C>G on the coding strand, the complement: COG7 is on the minus strand). VCF-style: chr16-23424786-G-C. GRCh37 (hg19) VCF-style: chr16-23436107-G-C.
Other names: p.Phe324Leu; short protein forms F324L.
Identifiers: ClinVar variation 1693656 (VCV001693656.9), dbSNP rs747262700, ClinGen allele CA395121310.
Genomic context (GRCh38, chr16:23,424,786, plus strand): 5'-AACTGGCAGGAAGGAATGTTTACGTAGGTGGGGGAGCAGTGCCATCTCCAAGCCCTTGGC[G>C]AAGTGGGCGGTGGCGTCGTAGAACTCCAGCAGCCTGGTGAGCTCCTGCTCGGGCCCTGCC-3'
Protein context (NP_705831.1, residues 314-334): LLEFYDATAH[Phe324Leu]AKGLEMALLP

ClinVar aggregate classification (germline): Uncertain significance. Review status: criteria provided, multiple submitters, no conflicts (2 of 4 stars). 2 submissions from 2 submitters: Uncertain significance (2). Last evaluated 2022-08-12.

Conditions:
COG7 congenital disorder of glycosylation (CDG2E). Also called: CONGENITAL DISORDER OF GLYCOSYLATION, TYPE IIe; CDG IIe. Identifiers: Orphanet 79333, MedGen C2931010, MONDO:0012118, OMIM 608779.

gnomAD v4.1: 1 of 1,614,252 alleles (0.000062%); highest among the groups gnomAD compares: Non-Finnish European, 0.000085%; no homozygotes.

Submissions (2):

Labcorp Genetics (formerly Invitae), Labcorp
Classification: Uncertain significance for COG7 congenital disorder of glycosylation. Last evaluated: 2022-08-12. Review status: criteria provided, single submitter. Criteria: Invitae Variant Classification Sherloc (09022015). Collection method: clinical testing. Allele origin: germline.
Comment: In summary, the available evidence is currently insufficient to determine the role of this variant in disease. Therefore, it has been classified as a Variant of Uncertain Significance. Algorithms developed to predict the effect of missense changes on protein structure and function are either unavailable or do not agree on the potential impact of this missense change (SIFT: "Tolerated"; PolyPhen-2: "Possibly Damaging"; Align-GVGD: "Class C0"). ClinVar contains an entry for this variant (Variation ID: 1693656). This variant has not been reported in the literature in individuals affected with COG7-related conditions. This variant is not present in population databases (gnomAD no frequency). This sequence change replaces phenylalanine, which is neutral and non-polar, with leucine, which is neutral and non-polar, at codon 324 of the COG7 protein (p.Phe324Leu).

Mayo Clinic Laboratories, Mayo Clinic
Classification: Uncertain significance. Last evaluated: 2021-05-11. Review status: criteria provided, single submitter. Criteria: ACMG Guidelines, 2015. Collection method: clinical testing. Allele origin: germline.